The following is an entry in ClinVar:

NM_000179.3(MSH6):c.992C>T (p.Ser331Leu)

Gene: MSH6 (mutS homolog 6; plus strand). Cytogenetic location: 2p16.3.
Variant type: single nucleotide variant.
Coding change: c.992C>T on transcript NM_000179.3 (MANE Select); coding-DNA position 992, C replaced by T.
Protein change: p.Ser331Leu; replaces serine 331 with leucine.
Molecular consequence: missense variant.
Genome position (GRCh38, 1-based): chr2:47,798,975, C>T. VCF-style: chr2-47798975-C-T. GRCh37 (hg19) VCF-style: chr2-48026114-C-T.
Other names: c.602C>T, p.Ser201Leu (NM_001281492.2); c.86C>T, p.Ser29Leu (NM_001281493.2, NM_001281494.2); short protein forms S201L, S29L, S331L.
Identifiers: ClinVar variation 1026582 (VCV001026582.9), dbSNP rs1669281225, ClinGen allele CA346741115.
Genomic context (GRCh38, chr2:47,798,975, plus strand): 5'-AAAGGAAAAGCTCTAGGAAGGAAACGCCCTCAGCCACCAAACAAGCAACTAGCATTTCAT[C>T]AGAAACCAAGAATACTTTGAGAGCTTTCTCTGCCCCTCAAAATTCTGAATCCCAAGCCCA-3'
Protein context (NP_000170.1, residues 321-341): SATKQATSIS[Ser331Leu]ETKNTLRAFS

ClinVar aggregate classification (germline): Uncertain significance (1 of 4 stars; one submission).

Conditions:
Hereditary nonpolyposis colorectal neoplasms. Identifiers: MedGen C0009405, MeSH D003123.

Allele frequency attached by ClinVar (database versions not stated): gnomAD exomes below 0.00001.
gnomAD v4.1: 1 of 1,614,214 alleles (0.000062%); highest among the groups gnomAD compares: Non-Finnish European, 0.000085%; no homozygotes.

Submission:

Labcorp Genetics (formerly Invitae), Labcorp
Classification: Uncertain significance for Hereditary nonpolyposis colorectal neoplasms. Last evaluated: 2023-03-26. Review status: criteria provided, single submitter. Criteria: Invitae Variant Classification Sherloc (09022015). Collection method: clinical testing. Allele origin: germline.
Comment: Advanced modeling of protein sequence and biophysical properties (such as structural, functional, and spatial information, amino acid conservation, physicochemical variation, residue mobility, and thermodynamic stability) performed at Invitae indicates that this missense variant is not expected to disrupt MSH6 protein function. In summary, the available evidence is currently insufficient to determine the role of this variant in disease. Therefore, it has been classified as a Variant of Uncertain Significance. ClinVar contains an entry for this variant (Variation ID: 1026582). This variant has not been reported in the literature in individuals affected with MSH6-related conditions. This variant is not present in population databases (gnomAD no frequency). This sequence change replaces serine, which is neutral and polar, with leucine, which is neutral and non-polar, at codon 331 of the MSH6 protein (p.Ser331Leu).